The following is an entry in ClinVar:

ClinVar aggregate classification (germline): Uncertain significance (1 of 4 stars; one submission).

Conditions:
PURA-related severe neonatal hypotonia-seizures-encephalopathy syndrome (NEDRIHF). Also called: NEURODEVELOPMENTAL DISORDER WITH NEONATAL RESPIRATORY INSUFFICIENCY, HYPOTONIA, AND FEEDING DIFFICULTIES; PURA-Related Neurodevelopmental Disorders. Identifiers: Orphanet 438213, Orphanet 438216, MedGen C4015357, MONDO:1060108, OMIM 616158, MONDO:0018580.

Submission:

Labcorp Genetics (formerly Invitae), Labcorp
Classification: Uncertain significance for PURA-related severe neonatal hypotonia-seizures-encephalopathy syndrome. Last evaluated: 2022-10-27. Review status: criteria provided, single submitter. Criteria: Invitae Variant Classification Sherloc (09022015). Collection method: clinical testing. Allele origin: germline.
Comment: In summary, the available evidence is currently insufficient to determine the role of this variant in disease. Therefore, it has been classified as a Variant of Uncertain Significance. This variant has not been reported in the literature in individuals affected with PURA-related conditions. This sequence change affects codon 254 of the PURA mRNA. It is a 'silent' change, meaning that it does not change the encoded amino acid sequence of the PURA protein. This variant is not present in population databases (gnomAD no frequency).

NM_005859.5(PURA):c.762C>A (p.Arg254=)

Gene: PURA (purine rich element binding protein A; plus strand). Cytogenetic location: 5q31.3.
Variant type: single nucleotide variant.
Coding change: c.762C>A on transcript NM_005859.5 (MANE Select); coding-DNA position 762, C replaced by A.
Protein change: p.Arg254=; no amino-acid change (arginine 254 retained).
Molecular consequence: synonymous variant.
Genome position (GRCh38, 1-based): chr5:140,114,943, C>A. VCF-style: chr5-140114943-C-A. GRCh37 (hg19) VCF-style: chr5-139494528-C-A.
Identifiers: ClinVar variation 2809021 (VCV002809021.3), dbSNP rs2479506067, ClinGen allele CA446830804.